The following is an entry in ClinVar:

ClinVar aggregate classification (germline): Uncertain significance (1 of 4 stars; one submission).

Conditions:
Nemaline myopathy 2 (NEM2). Also called: Nemaline myopathy 2, autosomal recessive. Identifiers: MedGen C1850569, MONDO:0009725, OMIM 256030.

Allele frequency attached by ClinVar (database versions not stated): gnomAD exomes below 0.00001.
gnomAD v4.1: 2 of 1,614,078 alleles (0.00012%); highest among the groups gnomAD compares: South Asian, 0.0022%; no homozygotes.

Submission:

Labcorp Genetics (formerly Invitae), Labcorp
Classification: Uncertain significance for Nemaline myopathy 2. Last evaluated: 2021-09-01. Review status: criteria provided, single submitter. Criteria: Invitae Variant Classification Sherloc (09022015). Collection method: clinical testing. Allele origin: germline.
Comment: This sequence change replaces aspartic acid with asparagine at codon 8535 of the NEB protein (p.Asp8535Asn). The aspartic acid residue is moderately conserved and there is a small physicochemical difference between aspartic acid and asparagine. This variant is not present in population databases (ExAC no frequency). This variant has not been reported in the literature in individuals affected with NEB-related conditions. Algorithms developed to predict the effect of missense changes on protein structure and function are either unavailable or do not agree on the potential impact of this missense change (SIFT: "Deleterious"; PolyPhen-2: "Not Available"; Align-GVGD: "Class C0"). In summary, the available evidence is currently insufficient to determine the role of this variant in disease. Therefore, it has been classified as a Variant of Uncertain Significance.

NM_001164508.2(NEB):c.25498G>A (p.Asp8500Asn)

Genes: NEB (nebulin; minus strand), RIF1 (replication timing regulatory factor 1; plus strand). Cytogenetic location: 2q23.3.
Variant type: single nucleotide variant.
Coding change: c.25498G>A on transcript NM_001164508.2 (MANE Select); coding-DNA position 25498, G replaced by A.
Protein change: p.Asp8500Asn; replaces aspartic acid 8500 with asparagine.
Molecular consequence: missense variant.
Genome position (GRCh38, 1-based): chr2:151,485,840, C>T on the plus strand (G>A on the coding strand, the complement: NEB is on the minus strand). VCF-style: chr2-151485840-C-T. GRCh37 (hg19) VCF-style: chr2-152342354-C-T.
Other names: c.25498G>A, p.Asp8500Asn (NM_001164507.2); c.25603G>A, p.Asp8535Asn (NM_001271208.2); c.19930G>A, p.Asp6644Asn (NM_004543.5); short protein forms D8500N, D8535N, D6644N.
Identifiers: ClinVar variation 655914 (VCV000655914.6), dbSNP rs1574251962, ClinGen allele CA348769875.